The following is an entry in ClinVar:

ClinVar aggregate classification (germline): Uncertain significance (1 of 4 stars; one submission).

Conditions:
Kabuki syndrome. Also called: NIIKAWA-KUROKI SYNDROME; Kabuki make-up syndrome. Identifiers: Orphanet 2322, MedGen C0796004, MONDO:0016512.

Submission:

Labcorp Genetics (formerly Invitae), Labcorp
Classification: Uncertain significance for Kabuki syndrome. Last evaluated: 2025-08-22. Review status: criteria provided, single submitter. Criteria: Invitae Variant Classification Sherloc (09022015). Collection method: clinical testing. Allele origin: germline.
Comment: This sequence change falls in intron 25 of the KMT2D gene. It does not directly change the encoded amino acid sequence of the KMT2D protein. It affects a nucleotide within the consensus splice site. This variant is not present in population databases (gnomAD no frequency). This variant has not been reported in the literature in individuals affected with KMT2D-related conditions. Variants that disrupt the consensus splice site are a relatively common cause of aberrant splicing (PMID: 17576681, 9536098). Algorithms developed to predict the effect of sequence changes on RNA splicing suggest that this variant may disrupt the consensus splice site. In summary, the available evidence is currently insufficient to determine the role of this variant in disease. Therefore, it has been classified as a Variant of Uncertain Significance.

Literature cited by the submitters: PubMed 17576681; PubMed 9536098.

NM_003482.4(KMT2D):c.5644+4A>G

Gene: KMT2D (lysine methyltransferase 2D; minus strand). Cytogenetic location: 12q13.12.
Variant type: single nucleotide variant.
Coding change: c.5644+4A>G on transcript NM_003482.4 (MANE Select); 4 bases into the intron after coding-DNA position 5644, A replaced by G.
Molecular consequence: intron variant.
Genome position (GRCh38, 1-based): chr12:49,043,072, T>C on the plus strand (A>G on the coding strand, the complement: KMT2D is on the minus strand). VCF-style: chr12-49043072-T-C. GRCh37 (hg19) VCF-style: chr12-49436855-T-C.
Identifiers: ClinVar variation 4725489 (VCV004725489.1).